The following is an entry in ClinVar:

NM_000096.4(CP):c.597C>G (p.Ile199Met)

Gene: CP (ceruloplasmin; minus strand). Cytogenetic location: 3q25.1.
Variant type: single nucleotide variant.
Coding change: c.597C>G on transcript NM_000096.4 (MANE Select); coding-DNA position 597, C replaced by G.
Protein change: p.Ile199Met; replaces isoleucine 199 with methionine.
Molecular consequence: missense variant. On other transcripts: non-coding transcript variant (1).
Genome position (GRCh38, 1-based): chr3:149,210,177, G>C on the plus strand (C>G on the coding strand, the complement: CP is on the minus strand). VCF-style: chr3-149210177-G-C. GRCh37 (hg19) VCF-style: chr3-148927964-G-C.
Other names: short protein forms I199M.
Identifiers: ClinVar variation 858537 (VCV000858537.9), dbSNP rs1728013449, ClinGen allele CA354917097.

ClinVar aggregate classification (germline): Uncertain significance (1 of 4 stars; one submission).

Conditions:
Deficiency of ferroxidase (ACEP). Also called: Aceruloplasminemia; Deficiency of ceruloplasmin; Ceruloplasmin deficiency; Familial apoceruloplasmin deficiency; Hereditary ceruloplasmin deficiency; NEURODEGENERATION WITH BRAIN IRON ACCUMULATION 10. Identifiers: Orphanet 48818, MedGen C0878682, MONDO:0011426, OMIM 604290, HP:0025498.

Submission:

Labcorp Genetics (formerly Invitae), Labcorp
Classification: Uncertain significance for Deficiency of ferroxidase. Last evaluated: 2022-08-23. Review status: criteria provided, single submitter. Criteria: Invitae Variant Classification Sherloc (09022015). Collection method: clinical testing. Allele origin: germline.
Comment: In summary, the available evidence is currently insufficient to determine the role of this variant in disease. Therefore, it has been classified as a Variant of Uncertain Significance. Algorithms developed to predict the effect of missense changes on protein structure and function (SIFT, PolyPhen-2, Align-GVGD) all suggest that this variant is likely to be tolerated. ClinVar contains an entry for this variant (Variation ID: 858537). This variant has not been reported in the literature in individuals affected with CP-related conditions. This variant is not present in population databases (gnomAD no frequency). This sequence change replaces isoleucine, which is neutral and non-polar, with methionine, which is neutral and non-polar, at codon 199 of the CP protein (p.Ile199Met).